The following is an entry in ClinVar:

NM_004304.5(ALK):c.3347T>G (p.Ile1116Ser)

Gene: ALK (ALK receptor tyrosine kinase; minus strand). Cytogenetic location: 2p23.2.
Variant type: single nucleotide variant.
Coding change: c.3347T>G on transcript NM_004304.5 (MANE Select); coding-DNA position 3347, T replaced by G.
Protein change: p.Ile1116Ser; replaces isoleucine 1116 with serine.
Molecular consequence: missense variant.
Genome position (GRCh38, 1-based): chr2:29,223,354, A>C on the plus strand (T>G on the coding strand, the complement: ALK is on the minus strand). VCF-style: chr2-29223354-A-C. GRCh37 (hg19) VCF-style: chr2-29446220-A-C.
Other names: c.143T>G, p.Ile48Ser (NM_001353765.2); short protein forms I48S, I1116S.
Identifiers: ClinVar variation 4273166 (VCV004273166.1).

ClinVar aggregate classification (germline): Uncertain significance (1 of 4 stars; one submission).

Conditions:
Hereditary cancer-predisposing syndrome. Also called: Hereditary Cancer Syndrome; Hereditary neoplastic syndrome; Neoplastic Syndromes, Hereditary; Tumor predisposition. Identifiers: Orphanet 140162, MedGen C0027672, MeSH D009386, MONDO:0015356.

Submission:

Ambry Genetics
Classification: Uncertain significance for Hereditary cancer-predisposing syndrome. Last evaluated: 2025-09-01. Review status: criteria provided, single submitter. Criteria: Ambry Variant Classification Scheme 2023. Collection method: clinical testing. Allele origin: germline.
Comment: The p.I1116S variant (also known as c.3347T>G), located in coding exon 20 of the ALK gene, results from a T to G substitution at nucleotide position 3347. The isoleucine at codon 1116 is replaced by serine, an amino acid with dissimilar properties. This amino acid position is conserved. In addition, this alteration is predicted to be deleterious by in silico analysis. Based on the available evidence, the clinical significance of this variant remains unclear.